The following is an entry in ClinVar:

ClinVar aggregate classification (germline): Uncertain significance (1 of 4 stars; one submission).

Conditions:
Cornelia de Lange syndrome 5 (CDLS5). Also called: HDAC8-Related Cornelia de Lange Syndrome. Identifiers: Orphanet 199, MedGen C3550903, MONDO:0010471, OMIM 300882.

Submission:

Labcorp Genetics (formerly Invitae), Labcorp
Classification: Uncertain significance for Cornelia de Lange syndrome 5. Last evaluated: 2022-11-16. Review status: criteria provided, single submitter. Criteria: Invitae Variant Classification Sherloc (09022015). Collection method: clinical testing. Allele origin: germline.
Comment: This sequence change replaces methionine, which is neutral and non-polar, with threonine, which is neutral and polar, at codon 196 of the HDAC8 protein (p.Met196Thr). This variant is not present in population databases (gnomAD no frequency). In summary, the available evidence is currently insufficient to determine the role of this variant in disease. Therefore, it has been classified as a Variant of Uncertain Significance. This variant disrupts the p.Met196 amino acid residue in HDAC8. Other variant(s) that disrupt this residue have been determined to be pathogenic (PMID: 25102094, 25805374). This suggests that this residue is clinically significant, and that variants that disrupt this residue are likely to be disease-causing. Advanced modeling of protein sequence and biophysical properties (such as structural, functional, and spatial information, amino acid conservation, physicochemical variation, residue mobility, and thermodynamic stability) performed at Invitae indicates that this missense variant is not expected to disrupt HDAC8 protein function. This variant has not been reported in the literature in individuals affected with HDAC8-related conditions.

Literature cited by the submitters: PubMed 25102094; PubMed 25805374.

NM_018486.3(HDAC8):c.587T>C (p.Met196Thr)

Gene: HDAC8 (histone deacetylase 8; minus strand). Cytogenetic location: Xq13.1.
Variant type: single nucleotide variant.
Coding change: c.587T>C on transcript NM_018486.3 (MANE Select); coding-DNA position 587, T replaced by C.
Protein change: p.Met196Thr; replaces methionine 196 with threonine.
Molecular consequence: missense variant. On other transcripts: non-coding transcript variant (1), intron variant (3).
Genome position (GRCh38, 1-based): chrX:72,490,970, A>G on the plus strand (T>C on the coding strand, the complement: HDAC8 is on the minus strand). VCF-style: chrX-72490970-A-G. GRCh37 (hg19) VCF-style: chrX-71710820-A-G.
Other names: c.314T>C, p.Met105Thr (NM_001166418.2, NM_001410728.1); c.587T>C, p.Met196Thr (NM_001166419.2, NM_001410725.1, NM_001410729.1); c.551-1929T>C (NM_001410727.1, NM_001410730.1); c.278-1929T>C (NM_001166448.2); short protein forms M105T, M196T.
Identifiers: ClinVar variation 2814704 (VCV002814704.3), dbSNP rs2521126972, ClinGen allele CA413639509.